The following is an entry in ClinVar:

ClinVar aggregate classification (germline): Pathogenic/Likely pathogenic. Review status: criteria provided, multiple submitters, no conflicts (2 of 4 stars). 4 submissions from 4 submitters: Pathogenic (1); Likely pathogenic (2). 1 of the submissions does not count toward it. Last evaluated 2026-01-24.

Conditions:
Fanconi anemia (FA). Also called: Fanconi's anemia. Identifiers: Orphanet 84, MedGen C0015625, MeSH D005199, MONDO:0019391.
Fanconi anemia complementation group G. Also called: FANCG-Related Fanconi Anemia; Fanconi anemia group G. Identifiers: Orphanet 84, MedGen C3469527, MONDO:0013565, OMIM 614082.

Allele frequency attached by ClinVar (database versions not stated): gnomAD exomes below 0.00001; TOPMed 0.00002.

Submissions (4):

Labcorp Genetics (formerly Invitae), Labcorp
Classification: Likely pathogenic for Fanconi anemia. Last evaluated: 2026-01-24. Review status: criteria provided, single submitter. Criteria: Invitae Variant Classification Sherloc (09022015). Collection method: clinical testing. Allele origin: germline.
Comment: This sequence change affects a donor splice site in intron 5 of the FANCG gene. It is expected to disrupt RNA splicing. Variants that disrupt the donor or acceptor splice site typically lead to a loss of protein function (PMID: 16199547), and loss-of-function variants in FANCG are known to be pathogenic (PMID: 12552564). This variant is present in population databases (no rsID available, gnomAD 0.0009%). Disruption of this splice site has been observed in individual(s) with FANCG-related conditions (PMID: 11093276, 12552564). ClinVar contains an entry for this variant (Variation ID: 929686). Algorithms developed to predict the effect of sequence changes on RNA splicing suggest that this variant may disrupt the consensus splice site. In summary, the currently available evidence indicates that the variant is pathogenic, but additional data are needed to prove that conclusively. Therefore, this variant has been classified as Likely Pathogenic.

Fulgent Genetics
Classification: Likely pathogenic for Fanconi anemia complementation group G. Last evaluated: 2024-04-30. Review status: criteria provided, single submitter. Criteria: ACMG Guidelines, 2015. Collection method: clinical testing. Allele origin: germline.

Baylor Genetics
Classification: Pathogenic for Fanconi anemia complementation group G. Last evaluated: 2023-07-25. Review status: criteria provided, single submitter. Criteria: ACMG Guidelines, 2015. Collection method: clinical testing. Allele origin: unknown.

Leiden Open Variation Database
Classification: Pathogenic for Fanconi anemia complementation group G. Last evaluated: 2011-02-07. Review status: no assertion criteria provided. Collection method: curation. Allele origin: germline. Affected: yes. Not counted in ClinVar's aggregate classification.
Comment: Curator: Arleen D. Auerbach. Submitter to LOVD: Arleen D. Auerbach.

Literature cited by the submitters: PubMed 16199547 (cited by Labcorp Genetics (formerly Invitae), Labcorp); PubMed 12552564 (cited by Labcorp Genetics (formerly Invitae), Labcorp and Leiden Open Variation Database); PubMed 11093276 (cited by Labcorp Genetics (formerly Invitae), Labcorp and Leiden Open Variation Database).

NM_004629.2(FANCG):c.646+1G>T

Gene: FANCG (FA complementation group G; minus strand). Cytogenetic location: 9p13.3.
Variant type: single nucleotide variant.
Coding change: c.646+1G>T on transcript NM_004629.2 (MANE Select); the canonical splice donor site of the intron after coding-DNA position 646, G replaced by T.
Molecular consequence: splice donor variant.
Genome position (GRCh38, 1-based): chr9:35,077,263, C>A on the plus strand (G>T on the coding strand, the complement: FANCG is on the minus strand). VCF-style: chr9-35077263-C-A. GRCh37 (hg19) VCF-style: chr9-35077260-C-A.
Identifiers: ClinVar variation 929686 (VCV000929686.12), dbSNP rs1028569753, ClinGen allele CA192695046.